The following is an entry in ClinVar:

ClinVar aggregate classification (germline): Uncertain significance (1 of 4 stars; one submission).

Conditions:
Leber congenital amaurosis 2 (LCA2). Also called: Autosomal Recessive RPE65-Related Retinal Degeneration; AMAUROSIS CONGENITA OF LEBER II. Identifiers: Orphanet 65, MedGen C1859844, MONDO:0008765, OMIM 204100. Disease mechanism: loss of function.
Retinitis pigmentosa 20 (RP20). Identifiers: Orphanet 791, MedGen C3151086, MONDO:0013425, OMIM 613794.

Submission:

Labcorp Genetics (formerly Invitae), Labcorp
Classification: Uncertain significance for Leber congenital amaurosis 2; Retinitis pigmentosa 20. Last evaluated: 2024-06-17. Review status: criteria provided, single submitter. Criteria: Invitae Variant Classification Sherloc (09022015). Collection method: clinical testing. Allele origin: germline.
Comment: This sequence change replaces lysine, which is basic and polar, with glutamine, which is neutral and polar, at codon 13 of the RPE65 protein (p.Lys13Gln). This variant is not present in population databases (gnomAD no frequency). This variant has not been reported in the literature in individuals affected with RPE65-related conditions. ClinVar contains an entry for this variant (Variation ID: 2196685). Advanced modeling of protein sequence and biophysical properties (such as structural, functional, and spatial information, amino acid conservation, physicochemical variation, residue mobility, and thermodynamic stability) performed at Invitae indicates that this missense variant is not expected to disrupt RPE65 protein function with a negative predictive value of 80%. In summary, the available evidence is currently insufficient to determine the role of this variant in disease. Therefore, it has been classified as a Variant of Uncertain Significance.

NM_000329.3(RPE65):c.37A>C (p.Lys13Gln)

Gene: RPE65 (retinoid isomerohydrolase RPE65; minus strand). Cytogenetic location: 1p31.3.
Variant type: single nucleotide variant.
Coding change: c.37A>C on transcript NM_000329.3 (MANE Select); coding-DNA position 37, A replaced by C.
Protein change: p.Lys13Gln; replaces lysine 13 with glutamine.
Molecular consequence: missense variant.
Genome position (GRCh38, 1-based): chr1:68,448,681, T>G on the plus strand (A>C on the coding strand, the complement: RPE65 is on the minus strand). VCF-style: chr1-68448681-T-G. GRCh37 (hg19) VCF-style: chr1-68914364-T-G.
Other names: c.37A>C, p.Lys13Gln (NM_001406853.1, NM_001406859.1, NM_001406860.1); c.-89A>C (NM_001406856.1); short protein forms K13Q.
Identifiers: ClinVar variation 2196685 (VCV002196685.4), dbSNP rs758419556, ClinGen allele CA340750299.